The following is an entry in ClinVar:

NM_000180.4(GUCY2D):c.43G>A (p.Gly15Arg)

Gene: GUCY2D (guanylate cyclase 2D, retinal; plus strand). Cytogenetic location: 17p13.1.
Variant type: single nucleotide variant.
Coding change: c.43G>A on transcript NM_000180.4 (MANE Select); coding-DNA position 43, G replaced by A.
Protein change: p.Gly15Arg; replaces glycine 15 with arginine.
Molecular consequence: missense variant.
Genome position (GRCh38, 1-based): chr17:8,003,090, G>A. VCF-style: chr17-8003090-G-A. GRCh37 (hg19) VCF-style: chr17-7906408-G-A.
Other names: short protein forms G15R.
Identifiers: ClinVar variation 3758394 (VCV003758394.2).
Genomic context (GRCh38, chr17:8,003,090, plus strand): 5'-TGTTCGCAGAAGCCGGCAATGACCGCCTGCGCCCGCCGAGCGGGTGGGCTTCCGGACCCC[G>A]GGCTCTGCGGTCCCGCGTGGTGGGCTCCGTCCCTGCCCCGCCTCCCCCGGGCCCTGCCCC-3'
Protein context (NP_000171.1, residues 5-25): ARRAGGLPDP[Gly15Arg]LCGPAWWAPS

ClinVar aggregate classification (germline): Uncertain significance (1 of 4 stars; one submission).

Conditions:
Leber congenital amaurosis 1 (LCA1). Also called: AMAUROSIS CONGENITA OF LEBER I; Congenital absence of the rods and cones; Leber's congenital tapetoretinal degeneration; Leber's congenital tapetoretinal dysplasia; RETINAL BLINDNESS, CONGENITAL. Identifiers: Orphanet 65, MedGen C2931258, MONDO:0008764, OMIM 204000.
Cone-rod dystrophy 6 (CORD6). Also called: Cone dystrophy progressive; RETINAL CONE DYSTROPHY 2. Identifiers: Orphanet 1872, MedGen C1866293, MONDO:0011143, OMIM 601777.

gnomAD v4.1: 35 of 1,524,646 alleles (0.0023%); highest among the groups gnomAD compares: Non-Finnish European, 0.0027%; no homozygotes.

Submission:

Labcorp Genetics (formerly Invitae), Labcorp
Classification: Uncertain significance for Leber congenital amaurosis 1; Cone-rod dystrophy 6. Last evaluated: 2025-03-25. Review status: criteria provided, single submitter. Criteria: Invitae Variant Classification Sherloc (09022015). Collection method: clinical testing. Allele origin: germline.
Comment: This sequence change replaces glycine, which is neutral and non-polar, with arginine, which is basic and polar, at codon 15 of the GUCY2D protein (p.Gly15Arg). This variant is not present in population databases (gnomAD no frequency). This variant has not been reported in the literature in individuals affected with GUCY2D-related conditions. Invitae Evidence Modeling of protein sequence and biophysical properties (such as structural, functional, and spatial information, amino acid conservation, physicochemical variation, residue mobility, and thermodynamic stability) indicates that this missense variant is not expected to disrupt GUCY2D protein function with a negative predictive value of 95%. In summary, the available evidence is currently insufficient to determine the role of this variant in disease. Therefore, it has been classified as a Variant of Uncertain Significance.